The following is an entry in ClinVar:

NM_001365536.1(SCN9A):c.300C>G (p.Phe100Leu)

Gene: SCN9A (sodium voltage-gated channel alpha subunit 9; minus strand). Cytogenetic location: 2q24.3.
Variant type: single nucleotide variant.
Coding change: c.300C>G on transcript NM_001365536.1 (MANE Select); coding-DNA position 300, C replaced by G.
Protein change: p.Phe100Leu; replaces phenylalanine 100 with leucine.
Molecular consequence: missense variant.
Genome position (GRCh38, 1-based): chr2:166,307,033, G>C on the plus strand (C>G on the coding strand, the complement: SCN9A is on the minus strand). VCF-style: chr2-166307033-G-C. GRCh37 (hg19) VCF-style: chr2-167163543-G-C.
Other names: c.300C>G, p.Phe100Leu (NM_002977.4); short protein forms F100L.
Identifiers: ClinVar variation 1056520 (VCV001056520.9), dbSNP rs1698783279, ClinGen allele CA349095664.

ClinVar aggregate classification (germline): Uncertain significance (1 of 4 stars; one submission).

Conditions:
Generalized epilepsy with febrile seizures plus, type 7 (GEFSP7). Also called: GEFS+, TYPE 7. Identifiers: Orphanet 36387, MedGen C2751778, MONDO:0013470, OMIM 613863.
Neuropathy, hereditary sensory and autonomic, type 2A (HSAN2A). Also called: HSAN IIA; ACROOSTEOLYSIS, GIACCAI TYPE; ACROOSTEOLYSIS, NEUROGENIC; MORVAN DISEASE; NEUROPATHY, CONGENITAL SENSORY; NEUROPATHY, HEREDITARY SENSORY RADICULAR, AUTOSOMAL RECESSIVE. Identifiers: Orphanet 970, MedGen C2752089, MONDO:0024309, OMIM 201300.

Allele frequency attached by ClinVar (database versions not stated): gnomAD 0.00001.
gnomAD v4.1: 1 of 1,611,642 alleles (0.000062%); no homozygotes.

Submission:

Labcorp Genetics (formerly Invitae), Labcorp
Classification: Uncertain significance for Neuropathy, hereditary sensory and autonomic, type 2A; Generalized epilepsy with febrile seizures plus, type 7. Last evaluated: 2022-03-19. Review status: criteria provided, single submitter. Criteria: Invitae Variant Classification Sherloc (09022015). Collection method: clinical testing. Allele origin: germline.
Comment: In summary, the available evidence is currently insufficient to determine the role of this variant in disease. Therefore, it has been classified as a Variant of Uncertain Significance. Algorithms developed to predict the effect of missense changes on protein structure and function are either unavailable or do not agree on the potential impact of this missense change (SIFT: "Deleterious"; PolyPhen-2: "Possibly Damaging"; Align-GVGD: "Class C0"). ClinVar contains an entry for this variant (Variation ID: 1056520). This variant has not been reported in the literature in individuals affected with SCN9A-related conditions. This variant is not present in population databases (gnomAD no frequency). This sequence change replaces phenylalanine, which is neutral and non-polar, with leucine, which is neutral and non-polar, at codon 100 of the SCN9A protein (p.Phe100Leu).